The following is an entry in ClinVar:

ClinVar aggregate classification (germline): Uncertain significance (1 of 4 stars; one submission).

Conditions:
Familial adenomatous polyposis 1 (FAP1). Also called: FAMILIAL ADENOMATOUS POLYPOSIS 1, ATTENUATED; POLYPOSIS, ADENOMATOUS INTESTINAL. Identifiers: MedGen C2713442, MONDO:0021056, OMIM 175100. Disease mechanism: loss of function.

Submission:

Labcorp Genetics (formerly Invitae), Labcorp
Classification: Uncertain significance for Familial adenomatous polyposis 1. Last evaluated: 2025-06-08. Review status: criteria provided, single submitter. Criteria: Invitae Variant Classification Sherloc (09022015). Collection method: clinical testing. Allele origin: germline.
Comment: This variant occurs in a non-coding region of the APC gene. It does not change the encoded amino acid sequence of the APC protein. This variant is not present in population databases (gnomAD no frequency). This variant has not been reported in the literature in individuals affected with APC-related conditions. Experimental studies and prediction algorithms are not available or were not evaluated, and the functional significance of this variant is currently unknown. In summary, the available evidence is currently insufficient to determine the role of this variant in disease. Therefore, it has been classified as a Variant of Uncertain Significance.

NM_001127511.3(APC):c.-134_-133insGC

Gene: APC (APC regulator of Wnt signaling pathway; plus strand). Cytogenetic location: 5q22.2.
Variant type: Insertion.
Coding change: c.-134_-133insGC on transcript NM_001127511.3; 134 bases upstream of the start codon through 133 bases upstream of the start codon, GC inserted.
Molecular consequence: 5 prime UTR variant. On other transcripts: non-coding transcript variant (2).
Genome position: GRCh38 VCF-style: chr5-112707584-T-TGC. GRCh37 (hg19) VCF-style: chr5-112043281-T-TGC.
Other names: c.-317_-316insGC (NM_001354895.2, NM_001407447.1, NM_001407452.1 and 3 more transcripts); c.-134_-133insGC (NM_001354897.2, NM_001354902.2, NM_001407446.1); c.-84_-83insGC (NM_001407448.1, NM_001407450.1, NM_001407457.1 and 1 more transcripts); c.-108_-107insGC (NM_001407453.1); c.-1352_-1351insGC (NM_001407470.1, NM_001407472.1).
Identifiers: ClinVar variation 1469094 (VCV001469094.6), dbSNP rs1561393341, ClinGen allele CA2573138780.